The following is an entry in ClinVar:

NM_022552.5(DNMT3A):c.2043del (p.Met682fs)

Gene: DNMT3A (DNA methyltransferase 3 alpha; minus strand). Cytogenetic location: 2p23.3.
Variant type: Deletion.
Coding change: c.2043del on transcript NM_022552.5 (MANE Select); coding-DNA position 2043, one base deleted (C; older notation c.2043delC).
Protein change: p.Met682fs; shifts the reading frame from methionine 682.
Molecular consequence: frameshift variant. On other transcripts: non-coding transcript variant (1).
Genome position (GRCh38, 1-based): chr2:25,241,601, G deleted on the plus strand (C on the coding strand, the reverse complement: DNMT3A is on the minus strand). VCF-style (leftmost placement, unchanged base first): chr2-25241600-TG-T. GRCh37 (hg19) VCF-style: chr2-25464469-TG-T.
Other names: c.1587del, p.Met530fs (NM_001320893.1); c.1374del, p.Met459fs (NM_001375819.1); c.1476del, p.Met493fs (NM_153759.3); c.2043del, p.Met682fs (NM_175629.2); short protein forms M459fs, M493fs, M682fs, M530fs.
Identifiers: ClinVar variation 4760671 (VCV004760671.1).
Genomic context (GRCh38, chr2:25,241,600, plus strand): 5'-GCGCCCCACAGCATGGACATACATGCTTCTGTGTGACGCTGCGGACGTCCCCGACGTACA[TG>T]ATCTTCCCCTGGTGCCGCACCATGCCCACCGTGATGGAGTCCTCACACACCTCCGAGGCA-3'

ClinVar aggregate classification (germline): Pathogenic (1 of 4 stars; one submission).

Conditions:
Tatton-Brown-Rahman overgrowth syndrome. Also called: Tatton-Brown-Rahman syndrome; Tall stature-intellectual disability-facial dysmorphism syndrome. Identifiers: Orphanet 404443, MedGen C4014545, MONDO:0014382, OMIM 615879.

Submission:

Labcorp Genetics (formerly Invitae), Labcorp
Classification: Pathogenic for Tatton-Brown-Rahman overgrowth syndrome. Last evaluated: 2025-02-02. Review status: criteria provided, single submitter. Criteria: Invitae Variant Classification Sherloc (09022015). Collection method: clinical testing. Allele origin: germline.
Comment: This sequence change creates a premature translational stop signal (p.Met682Cysfs*23) in the DNMT3A gene. It is expected to result in an absent or disrupted protein product. Loss-of-function variants in DNMT3A are known to be pathogenic (PMID: 24614070). The frequency data for this variant in the population databases is considered unreliable, as metrics indicate poor data quality at this position in the gnomAD database. This premature translational stop signal has been observed in individual(s) with clinical features of DNMT3A-related conditions (PMID: 33057194). For these reasons, this variant has been classified as Pathogenic.

Literature cited by the submitters: PubMed 24614070; PubMed 33057194.